The following is an entry in ClinVar:

ClinVar aggregate classification (germline): Pathogenic (1 of 4 stars; one submission).

Conditions:
Odonto-onycho-dermal dysplasia. Identifiers: Orphanet 2721, MedGen C0796093, MONDO:0009773, OMIM 257980.
Tooth agenesis, selective, 4 (STHAG4). Also called: TOOTH AGENESIS, SELECTIVE, 4, WITH OR WITHOUT ECTODERMAL DYSPLASIA; LATERAL INCISORS, ABSENCE OF; LATERAL INCISORS, PEGGED OR MISSING; SUCCEDANEOUS TEETH, AGENESIS OF. Identifiers: Orphanet 99798, MedGen C1835492, MONDO:0007881, OMIM 150400. Disease mechanism: loss of function.

Submission:

Labcorp Genetics (formerly Invitae), Labcorp
Classification: Pathogenic for Tooth agenesis, selective, 4; Odonto-onycho-dermal dysplasia. Last evaluated: 2021-07-28. Review status: criteria provided, single submitter. Criteria: Invitae Variant Classification Sherloc (09022015). Collection method: clinical testing. Allele origin: germline.
Comment: A gross deletion of the genomic region encompassing the full coding sequence of the WNT10A gene has been identified. The boundaries of this event are unknown as the deletion extends beyond the assayed region for this gene and therefore may encompass additional genes. This variant has not been reported in the literature in individuals with WNT10A-related disease. Loss-of-function variants in WNT10A are known to be pathogenic (PMID:¬†19559398, 24043634). For these reasons, this variant has been classified as Pathogenic.

NC_000002.11:g.(?_219745718)_(219757993_?)del

Gene: WNT10A (Wnt family member 10A; plus strand). Cytogenetic location: 2q35.
Variant type: Deletion.
Identifiers: ClinVar variation 1460070 (VCV001460070.4).